The following is an entry in ClinVar:

NM_001365951.3(KIF1B):c.3149C>A (p.Ala1050Glu)

Gene: KIF1B (kinesin family member 1B; plus strand). Cytogenetic location: 1p36.22.
Variant type: single nucleotide variant.
Coding change: c.3149C>A on transcript NM_001365951.3 (MANE Select); coding-DNA position 3149, C replaced by A.
Protein change: p.Ala1050Glu; replaces alanine 1050 with glutamic acid.
Molecular consequence: missense variant.
Genome position (GRCh38, 1-based): chr1:10,337,093, C>A. VCF-style: chr1-10337093-C-A. GRCh37 (hg19) VCF-style: chr1-10397151-C-A.
Other names: c.3149C>A, p.Ala1050Glu (NM_001365952.1); c.3011C>A, p.Ala1004Glu (NM_015074.3); short protein forms A1050E, A1004E.
Identifiers: ClinVar variation 4043091 (VCV004043091.1).

ClinVar aggregate classification (germline): Uncertain significance (1 of 4 stars; one submission).

Submission:

Ambry Genetics
Classification: Uncertain significance. Last evaluated: 2025-03-30. Review status: criteria provided, single submitter. Criteria: Ambry Variant Classification Scheme 2023. Collection method: clinical testing. Allele origin: germline.
Comment: The p.A1004E variant (also known as c.3011C>A), located in coding exon 27 of the KIF1B gene, results from a C to A substitution at nucleotide position 3011. The alanine at codon 1004 is replaced by glutamic acid, an amino acid with dissimilar properties. This amino acid position is conserved. In addition, the in silico prediction for this alteration is inconclusive. Based on the available evidence, the clinical significance of this variant remains unclear.